The following is an entry in ClinVar:

ClinVar aggregate classification (germline): Likely benign (1 of 4 stars; one submission).

Conditions:
SEMA7A-related disorder. Also called: SEMA7A-related condition.

gnomAD v4.1: 60 of 1,614,184 alleles (0.0037%); highest among the groups gnomAD compares: East Asian, 0.091%; no homozygotes.

Submission:

PreventionGenetics, part of Exact Sciences
Classification: Likely benign for SEMA7A-related condition. Last evaluated: 2026-03-25. Review status: criteria provided, single submitter. Criteria: ACMG Guidelines, 2015. Collection method: clinical testing. Allele origin: germline.
Comment: This variant is classified as likely benign based on ACMG/AMP sequence variant interpretation guidelines (Richards et al. 2015 PMID: 25741868, with internal and published modifications).

NM_003612.5(SEMA7A):c.1716C>T (p.His572=)

Gene: SEMA7A (semaphorin 7A (JohnMiltonHagen blood group); minus strand). Cytogenetic location: 15q24.1.
Variant type: single nucleotide variant.
Coding change: c.1716C>T on transcript NM_003612.5 (MANE Select); coding-DNA position 1716, C replaced by T.
Protein change: p.His572=; no amino-acid change (histidine 572 retained).
Molecular consequence: synonymous variant.
Genome position (GRCh38, 1-based): chr15:74,410,909, G>A on the plus strand (C>T on the coding strand, the complement: SEMA7A is on the minus strand). VCF-style: chr15-74410909-G-A. GRCh37 (hg19) VCF-style: chr15-74703250-G-A.
Other names: c.1674C>T, p.His558= (NM_001146029.3); c.1221C>T, p.His407= (NM_001146030.3).
Identifiers: ClinVar variation 4978029 (VCV004978029.1).